The following is an entry in ClinVar:

ClinVar aggregate classification (germline): Uncertain significance (1 of 4 stars; one submission).

Conditions:
Long QT syndrome (LQTS). Identifiers: MedGen C0023976, MeSH D008133, MONDO:0002442. Disease mechanism: loss of function. Inheritance: Various modes of inheritance.

Submission:

Labcorp Genetics (formerly Invitae), Labcorp
Classification: Uncertain significance for Long QT syndrome. Last evaluated: 2025-04-09. Review status: criteria provided, single submitter. Criteria: Invitae Variant Classification Sherloc (09022015). Collection method: clinical testing. Allele origin: germline.
Comment: This sequence change replaces glutamic acid, which is acidic and polar, with lysine, which is basic and polar, at codon 763 of the AKAP9 protein (p.Glu763Lys). This variant is not present in population databases (gnomAD no frequency). This variant has not been reported in the literature in individuals affected with AKAP9-related conditions. An algorithm developed to predict the effect of missense changes on protein structure and function (PolyPhen-2) suggests that this variant is likely to be disruptive. In summary, the available evidence is currently insufficient to determine the role of this variant in disease. Therefore, it has been classified as a Variant of Uncertain Significance.

NM_005751.5(AKAP9):c.2287G>A (p.Glu763Lys)

Gene: AKAP9 (A-kinase anchoring protein 9; plus strand). Cytogenetic location: 7q21.2.
Variant type: single nucleotide variant.
Coding change: c.2287G>A on transcript NM_005751.5 (MANE Select); coding-DNA position 2287, G replaced by A.
Protein change: p.Glu763Lys; replaces glutamic acid 763 with lysine.
Molecular consequence: missense variant.
Genome position (GRCh38, 1-based): chr7:92,002,204, G>A. VCF-style: chr7-92002204-G-A. GRCh37 (hg19) VCF-style: chr7-91631518-G-A.
Other names: c.2287G>A, p.Glu763Lys (NM_147185.3); short protein forms E763K.
Identifiers: ClinVar variation 4716948 (VCV004716948.1).
Genomic context (GRCh38, chr7:92,002,204, plus strand): 5'-CAAGAAGTTCAAGAATTACAACTTAAAACAGAATTGTTAGAAAAACAGATGAAGGAAAAA[G>A]AGAATGATCTTCAAGAAAAATTTGCACAACTTGAAGCAGAGAATAGCATTCTTAAAGATG-3'
Protein context (NP_005742.4, residues 753-773): ELLEKQMKEK[Glu763Lys]NDLQEKFAQL